The following is an entry in ClinVar:

ClinVar aggregate classification (germline): Likely pathogenic. Review status: criteria provided, multiple submitters, no conflicts (2 of 4 stars). 2 submissions from 2 submitters: Likely pathogenic (2). Last evaluated 2024-12-09.

Conditions:
Metachromatic leukodystrophy (MLD). Also called: METACHROMATIC LEUKOENCEPHALOPATHY; SULFATIDE LIPIDOSIS; Arylsulfatase A Deficiency; Cerebral sclerosis diffuse metachromatic form; ARSA DEFICIENCY; CEREBROSIDE SULFATASE DEFICIENCY. Identifiers: Orphanet 512, MedGen C0023522, MONDO:0018868, OMIM 250100.

Submissions (2):

Natera, Inc.
Classification: Likely pathogenic for Metachromatic leukodystrophy. Last evaluated: 2024-12-09. Review status: criteria provided, single submitter. Criteria: Natera Variant Classification Schema (03/2026). Collection method: clinical testing. Allele origin: germline.
Comment: The c.225-1G>C variant in ARSA is a canonical splice acceptor site variant predicted to affect pre-mRNA splicing, which may result in an abnormal transcript and altered protein product. This variant is expected to result in nonsense mediated decay, truncation, or a dysfunctional protein product. This variant is rare in the general population with a frequency below the threshold expected for the associated phenotype(s). Given the available evidence, this variant is classified as Likely Pathogenic.

Labcorp Genetics (formerly Invitae), Labcorp
Classification: Likely pathogenic for Metachromatic leukodystrophy. Last evaluated: 2024-02-12. Review status: criteria provided, single submitter. Criteria: Invitae Variant Classification Sherloc (09022015). Collection method: clinical testing. Allele origin: germline.
Comment: This sequence change affects an acceptor splice site in intron 1 of the ARSA gene. It is expected to disrupt RNA splicing. Variants that disrupt the donor or acceptor splice site typically lead to a loss of protein function (PMID: 16199547), and loss-of-function variants in ARSA are known to be pathogenic (PMID: 8962139, 10477432). This variant is not present in population databases (gnomAD no frequency). Disruption of this splice site has been observed in individual(s) with metachromatic leukodystrophy (PMID: 9819708). Algorithms developed to predict the effect of sequence changes on RNA splicing suggest that this variant may disrupt the consensus splice site. In summary, the currently available evidence indicates that the variant is pathogenic, but additional data are needed to prove that conclusively. Therefore, this variant has been classified as Likely Pathogenic.

Literature cited by the submitters: PubMed 16199547 (cited by Labcorp Genetics (formerly Invitae), Labcorp); PubMed 8962139 (cited by Labcorp Genetics (formerly Invitae), Labcorp); PubMed 10477432 (cited by Labcorp Genetics (formerly Invitae), Labcorp); PubMed 9819708 (cited by Labcorp Genetics (formerly Invitae), Labcorp).

NM_000487.6(ARSA):c.225-1G>C

Gene: ARSA (arylsulfatase A; minus strand). Cytogenetic location: 22q13.33.
Variant type: single nucleotide variant.
Coding change: c.225-1G>C on transcript NM_000487.6 (MANE Select); the canonical splice acceptor site of the intron before coding-DNA position 225, G replaced by C.
Molecular consequence: splice acceptor variant.
Genome position (GRCh38, 1-based): chr22:50,627,407, C>G on the plus strand (G>C on the coding strand, the complement: ARSA is on the minus strand). VCF-style: chr22-50627407-C-G. GRCh37 (hg19) VCF-style: chr22-51065835-C-G.
Other names: c.-34-1G>C (NM_001362782.2, NM_001085428.3); c.225-1G>C (NM_001085427.3, NM_001085426.3, NM_001085425.3 and 1 more transcripts).
Identifiers: ClinVar variation 2852600 (VCV002852600.4), dbSNP rs2146726825, ClinGen allele CA412182001.